The following is an entry in ClinVar:

ClinVar aggregate classification (germline): Uncertain significance (1 of 4 stars; one submission).

Conditions:
Cardiovascular phenotype. Identifiers: MedGen CN230736.

Submission:

Ambry Genetics
Classification: Uncertain significance for Cardiovascular phenotype. Last evaluated: 2026-07-06. Review status: criteria provided, single submitter. Criteria: Ambry Variant Classification Scheme 2023. Collection method: clinical testing. Allele origin: germline.
Comment: The p.D491G variant (also known as c.1472A>G), located in coding exon 11 of the DSG2 gene, results from an A to G substitution at nucleotide position 1472. The aspartic acid at codon 491 is replaced by glycine, an amino acid with similar properties. This amino acid position is conserved. In addition, this alteration is predicted to be deleterious by in silico analysis. Based on the available evidence, the clinical significance of this variant remains unclear.

NM_001943.5(DSG2):c.1472A>G (p.Asp491Gly)

Gene: DSG2 (desmoglein 2; plus strand). Cytogenetic location: 18q12.1.
Variant type: single nucleotide variant.
Coding change: c.1472A>G on transcript NM_001943.5 (MANE Select); coding-DNA position 1472, A replaced by G.
Protein change: p.Asp491Gly; replaces aspartic acid 491 with glycine.
Molecular consequence: missense variant.
Genome position (GRCh38, 1-based): chr18:31,536,250, A>G. VCF-style: chr18-31536250-A-G. GRCh37 (hg19) VCF-style: chr18-29116213-A-G.
Other names: short protein forms D491G.
Identifiers: ClinVar variation 5035607 (VCV005035607.1).